The following is an entry in ClinVar:

ClinVar aggregate classification (germline): Uncertain significance (1 of 4 stars; one submission).

Conditions:
Combined immunodeficiency due to ORAI1 deficiency. Also called: IMMUNODEFICIENCY 9. Identifiers: Orphanet 169090, Orphanet 317428, MedGen C2748568, MONDO:0013007, OMIM 612782.
Myopathy, tubular aggregate, 2 (TAM2). Identifiers: MedGen C4014557, MONDO:0014383, OMIM 615883.

Submission:

Labcorp Genetics (formerly Invitae), Labcorp
Classification: Uncertain significance for Myopathy, tubular aggregate, 2; Combined immunodeficiency due to ORAI1 deficiency. Last evaluated: 2024-11-04. Review status: criteria provided, single submitter. Criteria: Invitae Variant Classification Sherloc (09022015). Collection method: clinical testing. Allele origin: germline.
Comment: This sequence change replaces glycine, which is neutral and non-polar, with isoleucine, which is neutral and non-polar, at codon 20 of the ORAI1 protein (p.Gly20Ile). Information on the frequency of this variant in the gnomAD database is not available, as this variant may be reported differently in the database. This variant has not been reported in the literature in individuals affected with ORAI1-related conditions. ClinVar contains an entry for this variant (Variation ID: 2940059). Experimental studies and prediction algorithms are not available or were not evaluated, and the functional significance of this variant is currently unknown. In summary, the available evidence is currently insufficient to determine the role of this variant in disease. Therefore, it has been classified as a Variant of Uncertain Significance.

NM_032790.4(ORAI1):c.58_59delinsAT (p.Gly20Ile)

Genes: ORAI1 (ORAI calcium release-activated calcium modulator 1; plus strand), LOC130008987 (ATAC-STARR-seq lymphoblastoid silent region 4981; plus strand). Cytogenetic location: 12q24.31.
Variant type: Indel.
Coding change: c.58_59delinsAT on transcript NM_032790.4 (MANE Select); coding-DNA positions 58 to 59, GG replaced by AT.
Protein change: p.Gly20Ile; replaces glycine 20 with isoleucine.
Molecular consequence: missense variant. On other transcripts: non-coding transcript variant (1).
Genome position (GRCh38, 1-based): chr12:121,626,800-121,626,801, GG replaced by AT. VCF-style: chr12-121626800-GG-AT. GRCh37 (hg19) VCF-style: chr12-122064705-GG-AT.
Other names: short protein forms G20I.
Identifiers: ClinVar variation 2940059 (VCV002940059.3), dbSNP rs2503521588, ClinGen allele CA2740097588.
Genomic context (GRCh38, chr12:121,626,800, plus strand): 5'-TCCATGCATCCGGAGCCCGCCCCGCCCCCGAGCCGCAGCAGTCCCGAGCTTCCCCCAAGC[GG>AT]CGGCAGCACCACCAGCGGCAGCCGCCGGAGCCGCCGCCGCAGCGGGGACGGGGAGCCCCC-3'
Protein context (NP_116179.2, residues 10-30): SRSSPELPPS[Gly20Ile]GSTTSGSRRS